The following is an entry in ClinVar:

ClinVar aggregate classification (germline): Uncertain significance (1 of 4 stars; one submission).

Conditions:
CRB1-related disorder. Also called: CRB1-related condition; CRB1-related disorders.

Submission:

PreventionGenetics, part of Exact Sciences
Classification: Uncertain significance for CRB1-related condition. Last evaluated: 2025-12-04. Review status: criteria provided, single submitter. Criteria: ACMG Guidelines, 2015. Collection method: clinical testing. Allele origin: germline.
Comment: The CRB1 c.1052A>G variant is predicted to result in the amino acid substitution p.Asn351Ser. To our knowledge, this variant has not been reported in the literature. This variant is present in 0.012% of alleles in individuals of African descent in gnomAD. At this time, the clinical significance of this variant is uncertain due to the absence of conclusive functional and genetic evidence.

NM_201253.3(CRB1):c.1052A>G (p.Asn351Ser)

Gene: CRB1 (crumbs cell polarity complex component 1; plus strand). Cytogenetic location: 1q31.3.
Variant type: single nucleotide variant.
Coding change: c.1052A>G on transcript NM_201253.3 (MANE Select); coding-DNA position 1052, A replaced by G.
Protein change: p.Asn351Ser; replaces asparagine 351 with serine.
Molecular consequence: missense variant. On other transcripts: non-coding transcript variant (2).
Genome position (GRCh38, 1-based): chr1:197,356,894, A>G. VCF-style: chr1-197356894-A-G. GRCh37 (hg19) VCF-style: chr1-197326024-A-G.
Other names: c.716A>G, p.Asn239Ser (NM_001193640.2); c.845A>G, p.Asn282Ser (NM_001257965.2); c.1052A>G, p.Asn351Ser (NM_001257966.2); short protein forms N351S, N239S, N282S.
Identifiers: ClinVar variation 4978999 (VCV004978999.1).